The following is an entry in ClinVar:

ClinVar aggregate classification (germline): Uncertain significance. Review status: criteria provided, single submitter (1 of 4 stars). 2 submissions from 2 submitters: Uncertain significance (1). 1 of the submissions does not count toward it. Last evaluated 2024-11-18.

Submissions (2):

Genetic Services Laboratory, University of Chicago
Classification: Uncertain significance. Last evaluated: 2024-11-18. Review status: criteria provided, single submitter. Criteria: ACMG Guidelines, 2015. Collection method: clinical testing. Allele origin: germline. Affected: no.
Comment: DNA sequence analysis of the PMS1 gene demonstrated a deletion and insertion of two base pairs in exon 3, c.174_175delinsTA. This in-frame deletion/insertion is predicted to result in a missense change, p.Glu59Lys. This sequence change does not appear to have been previously described in individuals with PMS1-related disorders and has also not been described in the population databases such as ExAC and gnomAD. The p.Glu59Lys change affects a poorly conserved amino acid residue located in a domain of the PMS1 protein that is known to be functional. The p.Glu59Lys substitution appears to be benign using several in-silico pathogenicity prediction tools (SIFT, PolyPhen2, Align GVGD). Due to insufficient evidence and the lack of functional studies, the clinical significance of the p.Glu59Lys change remains unknown at this time.

ITMI
No classification provided. Condition: AllHighlyPenetrant. Last evaluated: 2013-09-19. Review status: no classification provided. Collection method: reference population. Allele origin: germline. Not counted in ClinVar's aggregate classification.
Comment: Please see associated publication for description of ethnicities

Literature cited by the submitters: PubMed 24728327 (cited by ITMI).

NM_000534.5(PMS1):c.174_175delinsTA (p.Glu59Lys)

Gene: PMS1 (PMS1 homolog 1, mismatch repair system component; plus strand). Cytogenetic location: 2q32.2.
Variant type: Indel.
Coding change: c.174_175delinsTA on transcript NM_000534.5 (MANE Select); coding-DNA positions 174 to 175, GG replaced by TA.
Protein change: p.Glu59Lys; replaces glutamic acid 59 with lysine.
Molecular consequence: missense variant. On other transcripts: 5 prime UTR variant (1), non-coding transcript variant (1), intron variant (2).
Genome position (GRCh38, 1-based): chr2:189,795,810-189,795,811, GG replaced by TA. VCF-style: chr2-189795810-GG-TA. GRCh37 (hg19) VCF-style: chr2-190660536-GG-TA.
Other names: c.174_175delinsTA, p.Glu59Lys (NM_001128143.2, NM_001128144.2, NM_001321044.2 and 5 more transcripts); c.-252_-251delinsTA (NM_001289408.2); c.132+3869_132+3870delinsTA (NM_001321046.2); c.-111+3869_-111+3870delinsTA (NM_001289409.2); c.174_175delinsTA (NM_000534.4); short protein forms E59K.
Identifiers: ClinVar variation 135041 (VCV000135041.3), dbSNP rs587778608, ClinGen allele CA161497.